The following is an entry in ClinVar:

NM_000059.4(BRCA2):c.6363A>C (p.Glu2121Asp)

Gene: BRCA2 (BRCA2 DNA repair associated; plus strand). Cytogenetic location: 13q13.1.
Variant type: single nucleotide variant.
Coding change: c.6363A>C on transcript NM_000059.4 (MANE Select); coding-DNA position 6363, A replaced by C.
Protein change: p.Glu2121Asp; replaces glutamic acid 2121 with aspartic acid.
Molecular consequence: missense variant. On other transcripts: non-coding transcript variant (1), intron variant (2).
Genome position (GRCh38, 1-based): chr13:32,340,718, A>C. VCF-style: chr13-32340718-A-C. GRCh37 (hg19) VCF-style: chr13-32914855-A-C.
Other names: c.6363A>C, p.Glu2121Asp (NM_001406719.1, NM_001406720.1); c.1910-3840A>C (NM_001406721.1); c.425-3840A>C (NM_001406722.1); short protein forms E2121D.
Identifiers: ClinVar variation 3227964 (VCV003227964.1), dbSNP rs1555284653, ClinGen allele CA387789150.

ClinVar aggregate classification (germline): Uncertain significance (1 of 4 stars; one submission).

Conditions:
Hereditary cancer-predisposing syndrome. Also called: Neoplastic Syndromes, Hereditary; Tumor predisposition; Hereditary neoplastic syndrome; Hereditary Cancer Syndrome. Identifiers: Orphanet 140162, MedGen C0027672, MeSH D009386, MONDO:0015356.

Submission:

Ambry Genetics
Classification: Uncertain significance for Hereditary cancer-predisposing syndrome. Last evaluated: 2023-11-24. Review status: criteria provided, single submitter. Criteria: Ambry Variant Classification Scheme 2023. Collection method: clinical testing. Allele origin: germline.
Comment: The p.E2121D variant (also known as c.6363A>C), located in coding exon 10 of the BRCA2 gene, results from an A to C substitution at nucleotide position 6363. The glutamic acid at codon 2121 is replaced by aspartic acid, an amino acid with highly similar properties. This amino acid position is conserved. In addition, this alteration is predicted to be tolerated by in silico analysis. Since supporting evidence is limited at this time, the clinical significance of this alteration remains unclear.